The following is an entry in ClinVar:

ClinVar aggregate classification (germline): Uncertain significance (1 of 4 stars; one submission).

Conditions:
Emery-Dreifuss muscular dystrophy 5, autosomal dominant (EDMD5). Also called: EMERY-DREIFUSS MUSCULAR DYSTROPHY 5. Identifiers: Orphanet 261, MedGen C2751805, MONDO:0013072, OMIM 612999.

gnomAD v4.1: 11 of 1,613,968 alleles (0.00068%); highest among the groups gnomAD compares: Non-Finnish European, 0.00085%; no homozygotes.

Submission:

Labcorp Genetics (formerly Invitae), Labcorp
Classification: Uncertain significance for Emery-Dreifuss muscular dystrophy 5, autosomal dominant. Last evaluated: 2025-06-04. Review status: criteria provided, single submitter. Criteria: Invitae Variant Classification Sherloc (09022015). Collection method: clinical testing. Allele origin: germline.
Comment: This sequence change replaces aspartic acid, which is acidic and polar, with alanine, which is neutral and non-polar, at codon 3059 of the SYNE2 protein (p.Asp3059Ala). This variant is not present in population databases (gnomAD no frequency). This variant has not been reported in the literature in individuals affected with SYNE2-related conditions. An algorithm developed to predict the effect of missense changes on protein structure and function (PolyPhen-2) suggests that this variant is likely to be disruptive. In summary, the available evidence is currently insufficient to determine the role of this variant in disease. Therefore, it has been classified as a Variant of Uncertain Significance.

NM_182914.3(SYNE2):c.9176A>C (p.Asp3059Ala)

Gene: SYNE2 (spectrin repeat containing nuclear envelope protein 2; plus strand). Cytogenetic location: 14q23.2.
Variant type: single nucleotide variant.
Coding change: c.9176A>C on transcript NM_182914.3 (MANE Select); coding-DNA position 9176, A replaced by C.
Protein change: p.Asp3059Ala; replaces aspartic acid 3059 with alanine.
Molecular consequence: missense variant.
Genome position (GRCh38, 1-based): chr14:64,053,089, A>C. VCF-style: chr14-64053089-A-C. GRCh37 (hg19) VCF-style: chr14-64519807-A-C.
Other names: c.9176A>C, p.Asp3059Ala (NM_015180.6); short protein forms D3059A.
Identifiers: ClinVar variation 4694432 (VCV004694432.1).